The following is an entry in ClinVar:

ClinVar aggregate classification (germline): Conflicting classifications of pathogenicity. Review status: criteria provided, conflicting classifications (1 of 4 stars). 5 submissions from 5 submitters: Uncertain significance (1); Benign (1); Likely benign (2). 1 of the submissions does not count toward it. Last evaluated 2025-12-09.

Conditions:
Ataxia - intellectual disability - oculomotor apraxia - cerebellar cysts syndrome. Also called: Poretti-Boltshauser syndrome. Identifiers: Orphanet 370022, MedGen C4014821, MONDO:0014419, OMIM 615960.
LAMA1-related disorder. Also called: LAMA1-related condition; LAMA1-related disorders.

Allele frequency attached by ClinVar (database versions not stated): gnomAD exomes 0.00016 and 0.00034; TOPMed 0.00019; gnomAD 0.00026 and 0.00031; ExAC 0.00030; 1000 Genomes Project 30x 0.00125; 1000 Genomes Project 0.00140.
gnomAD v4.1: 290 of 1,614,166 alleles (0.018%); highest among the groups gnomAD compares: East Asian, 0.31%; no homozygotes.

Submissions (5):

Labcorp Genetics (formerly Invitae), Labcorp
Classification: Likely benign. Last evaluated: 2025-12-09. Review status: criteria provided, single submitter. Criteria: Invitae Variant Classification Sherloc (09022015). Collection method: clinical testing. Allele origin: germline.

Women's Health and Genetics/Laboratory Corporation of America, LabCorp
Classification: Likely benign. Last evaluated: 2025-02-06. Review status: criteria provided, single submitter. Criteria: LabCorp Variant Classification Summary - May 2015. Collection method: clinical testing. Allele origin: germline.
Comment: Variant summary: LAMA1 c.3745G>A (p.Val1249Ile) results in a conservative amino acid change located in the second Laminin IV domain (IPR000034) of the encoded protein sequence. Five of five in-silico tools predict a benign effect of the variant on protein function. The variant allele was found at a frequency of 0.00034 in 251470 control chromosomes, predominantly at a frequency of 0.0025 within the East Asian subpopulation in the gnomAD database. The observed variant frequency within East Asian control individuals in the gnomAD database exceeds the estimated maximal expected allele frequency for a pathogenic variant in LAMA1 causing Ataxia-Intellectual Disability-Oculomotor Apraxia-Cerebellar Cysts Syndrome phenotype. To our knowledge, no occurrence of c.3745G>A in individuals affected with Ataxia-Intellectual Disability-Oculomotor Apraxia-Cerebellar Cysts Syndrome and no experimental evidence demonstrating its impact on protein function have been reported. ClinVar contains an entry for this variant (Variation ID: 789455). Based on the evidence outlined above, the variant was classified as likely benign.

Blueprint Genetics
Classification: Benign. Last evaluated: 2024-11-06. Review status: criteria provided, single submitter. Criteria: ACMG Guidelines, 2015. Collection method: clinical testing. Allele origin: germline.

Baylor Genetics
Classification: Uncertain significance for Ataxia - intellectual disability - oculomotor apraxia - cerebellar cysts syndrome. Last evaluated: 2018-12-06. Review status: criteria provided, single submitter. Criteria: ACMG Guidelines, 2015. Collection method: clinical testing. Allele origin: paternal. Affected: yes.
Comment: This variant was determined to be of uncertain significance according to ACMG Guidelines, 2015 [PMID:25741868].

PreventionGenetics, part of Exact Sciences
Classification: Likely benign for LAMA1-related condition. Last evaluated: 2022-03-10. Review status: no assertion criteria provided. Collection method: clinical testing. Allele origin: germline. Not counted in ClinVar's aggregate classification.
Comment: This variant is classified as likely benign based on ACMG/AMP sequence variant interpretation guidelines (Richards et al. 2015 PMID: 25741868, with internal and published modifications).

NM_005559.4(LAMA1):c.3745G>A (p.Val1249Ile)

Gene: LAMA1 (laminin subunit alpha 1; minus strand). Cytogenetic location: 18p11.31.
Variant type: single nucleotide variant.
Coding change: c.3745G>A on transcript NM_005559.4 (MANE Select); coding-DNA position 3745, G replaced by A.
Protein change: p.Val1249Ile; replaces valine 1249 with isoleucine.
Molecular consequence: missense variant.
Genome position (GRCh38, 1-based): chr18:7,010,328, C>T on the plus strand (G>A on the coding strand, the complement: LAMA1 is on the minus strand). VCF-style: chr18-7010328-C-T. GRCh37 (hg19) VCF-style: chr18-7010327-C-T.
Other names: short protein forms V1249I.
Identifiers: ClinVar variation 789455 (VCV000789455.15), dbSNP rs148225763, ClinGen allele CA8882151.